The following is an entry in ClinVar:

ClinVar aggregate classification (germline): Uncertain significance (1 of 4 stars; one submission).

Conditions:
Congenital myasthenic syndrome 8. Also called: MYASTHENIC SYNDROME, CONGENITAL, DUE TO AGRIN DEFICIENCY; Myasthenic syndrome, congenital, 8, with pre- and postsynaptic defects. Identifiers: Orphanet 590, MedGen C3808739, MONDO:0014052, OMIM 615120.

Submission:

Labcorp Genetics (formerly Invitae), Labcorp
Classification: Uncertain significance for Congenital myasthenic syndrome 8. Last evaluated: 2022-08-24. Review status: criteria provided, single submitter. Criteria: Invitae Variant Classification Sherloc (09022015). Collection method: clinical testing. Allele origin: germline.
Comment: In summary, the available evidence is currently insufficient to determine the role of this variant in disease. Therefore, it has been classified as a Variant of Uncertain Significance. Experimental studies and prediction algorithms are not available or were not evaluated, and the functional significance of this variant is currently unknown. This variant has not been reported in the literature in individuals affected with AGRN-related conditions. This variant is not present in population databases (gnomAD no frequency). This variant, c.3106_3108del, results in the deletion of 1 amino acid(s) of the AGRN protein (p.Trp1036del), but otherwise preserves the integrity of the reading frame.

NM_198576.4(AGRN):c.3106_3108del (p.Trp1036del)

Gene: AGRN (agrin; plus strand). Cytogenetic location: 1p36.33.
Variant type: Deletion.
Coding change: c.3106_3108del on transcript NM_198576.4 (MANE Select); coding-DNA positions 3106 to 3108, 3 bases deleted (TGG; older notation c.3106_3108delTGG).
Protein change: p.Trp1036del; deletes tryptophan 1036.
Molecular consequence: inframe deletion.
Genome position (GRCh38, 1-based): chr1:1,046,591-1,046,593, TGG deleted; deleting any 3 consecutive bases within chr1:1,046,590-1,046,593 gives the same sequence; the c. name uses the placement nearest the transcript's 3' end. VCF-style (leftmost placement, unchanged base first): chr1-1046589-TGTG-T. GRCh37 (hg19) VCF-style: chr1-981969-TGTG-T.
Other names: c.3106_3108del, p.Trp1036del (NM_001305275.2); c.2791_2793del, p.Trp931del (NM_001364727.2); short protein forms W1036del, W931del.
Identifiers: ClinVar variation 2026920 (VCV002026920.4), dbSNP rs2522727502, ClinGen allele CA2580061089.